The following is an entry in ClinVar:

NM_001165963.4(SCN1A):c.1703G>A (p.Arg568Gln)

Gene: SCN1A (sodium voltage-gated channel alpha subunit 1; minus strand). Cytogenetic location: 2q24.3.
Variant type: single nucleotide variant.
Coding change: c.1703G>A on transcript NM_001165963.4 (MANE Select); coding-DNA position 1703, G replaced by A.
Protein change: p.Arg568Gln; replaces arginine 568 with glutamine.
Molecular consequence: missense variant. On other transcripts: 5 prime UTR variant (1), non-coding transcript variant (1).
Genome position (GRCh38, 1-based): chr2:166,044,009, C>T on the plus strand (G>A on the coding strand, the complement: SCN1A is on the minus strand). VCF-style: chr2-166044009-C-T. GRCh37 (hg19) VCF-style: chr2-166900519-C-T.
Other names: c.1703G>A, p.Arg568Gln (NM_001165964.3, NM_001202435.3, NM_001353948.2 and 7 more transcripts); c.1700G>A, p.Arg567Gln (NM_001353954.2, NM_001353955.2, NM_001353960.2); c.-723G>A (NM_001353961.2); short protein forms R568Q, R567Q.
Identifiers: ClinVar variation 193841 (VCV000193841.13), dbSNP rs794727025, ClinGen allele CA239513.

ClinVar aggregate classification (germline): Conflicting classifications of pathogenicity. Review status: criteria provided, conflicting classifications (1 of 4 stars). 3 submissions from 3 submitters: Pathogenic (1); Uncertain significance (2). Last evaluated 2025-10-06.

Conditions:
Early-infantile DEE. Also called: Ohtahara syndrome; Early infantile epileptic encephalopathy; Early infantile epileptic encephalopathy with suppression bursts. Identifiers: Orphanet 1934, MedGen C0393706, MONDO:0800491.

Allele frequency attached by ClinVar (database versions not stated): gnomAD 0.00001; gnomAD exomes 0.00001; TOPMed 0.00003.
gnomAD v4.1: 12 of 1,614,136 alleles (0.00074%); highest among the groups gnomAD compares: East Asian, 0.0045%; no homozygotes.

Submissions (3):

Labcorp Genetics (formerly Invitae), Labcorp
Classification: Pathogenic for Early-infantile DEE. Last evaluated: 2025-10-06. Review status: criteria provided, single submitter. Criteria: Invitae Variant Classification Sherloc (09022015). Collection method: clinical testing. Allele origin: germline.
Comment: This sequence change replaces arginine, which is basic and polar, with glutamine, which is neutral and polar, at codon 568 of the SCN1A protein (p.Arg568Gln). This variant is present in population databases (rs794727025, gnomAD 0.004%). This missense change has been observed in individuals with clinical features of autosomal dominant SCN1A-related conditions (PMID: 28387369, 29056246; internal data). ClinVar contains an entry for this variant (Variation ID: 193841). Invitae Evidence Modeling of protein sequence and biophysical properties (such as structural, functional, and spatial information, amino acid conservation, physicochemical variation, residue mobility, and thermodynamic stability) indicates that this missense variant is expected to disrupt SCN1A protein function with a positive predictive value of 95%. For these reasons, this variant has been classified as Pathogenic.

GeneDx
Classification: Uncertain significance. Last evaluated: 2022-04-18. Review status: criteria provided, single submitter. Criteria: GeneDx Variant Classification Process June 2021. Collection method: clinical testing. Allele origin: germline. Affected: yes.
Comment: Reported in two unrelated patients with epilepsy in published literature (Arafat et al., 2017; Butler et al., 2017); In silico analysis supports that this missense variant has a deleterious effect on protein structure/function; Missense variants in this gene are often considered pathogenic (HGMD); This substitution is predicted to be in the cytoplasmic loop between the first and second homologous domains.; This variant is associated with the following publications: (PMID: 25348405, 18804930, 29056246, 28387369)

Eurofins Ntd Llc (ga)
Classification: Uncertain significance. Last evaluated: 2017-11-16. Review status: criteria provided, single submitter. Criteria: EGL Classification Definitions 2015. Collection method: clinical testing. Allele origin: germline. Observed: 1 variant allele, 1 heterozygote.

Literature cited by the submitters: PubMed 28387369 (cited by Labcorp Genetics (formerly Invitae), Labcorp); PubMed 29056246 (cited by Labcorp Genetics (formerly Invitae), Labcorp).